The following is an entry in ClinVar:

NM_201525.4(ADGRG1):c.1780C>T (p.Arg594Cys)

Gene: ADGRG1 (adhesion G protein-coupled receptor G1; plus strand). Cytogenetic location: 16q21.
Variant type: single nucleotide variant.
Coding change: c.1780C>T on transcript NM_201525.4 (MANE Select); coding-DNA position 1780, C replaced by T.
Protein change: p.Arg594Cys; replaces arginine 594 with cysteine.
Molecular consequence: missense variant.
Genome position (GRCh38, 1-based): chr16:57,661,812, C>T. VCF-style: chr16-57661812-C-T. GRCh37 (hg19) VCF-style: chr16-57695724-C-T.
Other names: c.1780C>T, p.Arg594Cys (NM_001145770.3, NM_001145772.3, NM_001145774.3 and 7 more transcripts); c.1798C>T, p.Arg600Cys (NM_001145771.3, NM_001370428.1, NM_001370429.1 and 4 more transcripts); c.1795C>T, p.Arg599Cys (NM_001145773.3, NM_001370433.1, NM_001370434.1); c.1288C>T, p.Arg430Cys (NM_001290142.2); c.1273C>T, p.Arg425Cys (NM_001290143.2); c.1255C>T, p.Arg419Cys (NM_001290144.2, NM_001370451.1, NM_001370453.1 and 1 more transcripts); c.1777C>T, p.Arg593Cys (NM_001370441.1); c.1624C>T, p.Arg542Cys (NM_001370442.1); short protein forms R600C, R419C, R593C, R542C, R599C, R425C, R430C, R594C.
Identifiers: ClinVar variation 546510 (VCV000546510.14), dbSNP rs371152613, ClinGen allele CA8078857.

ClinVar aggregate classification (germline): Uncertain significance. Review status: criteria provided, multiple submitters, no conflicts (2 of 4 stars). 6 submissions from 6 submitters: Uncertain significance (5). 1 of the submissions does not count toward it. Last evaluated 2024-11-09.

Conditions:
Inborn genetic diseases. Identifiers: MedGen C0950123, MeSH D030342.
Bilateral frontoparietal polymicrogyria. Also called: CORTICAL DYSPLASIA, COMPLEX, WITH OTHER BRAIN MALFORMATIONS 14A (BILATERAL FRONTOPARIETAL); CEREBELLAR ATAXIA WITH NEURONAL MIGRATION DEFECT. Identifiers: Orphanet 101070, MedGen C1847352, MONDO:0011738, OMIM 606854.

Allele frequency attached by ClinVar (database versions not stated): gnomAD 0.00006 and 0.00007; TOPMed 0.00006; ESP Exome Variant Server 0.00008; ExAC 0.00009; gnomAD exomes 0.00009; 1000 Genomes Project 30x 0.00016; 1000 Genomes Project 0.00020.
gnomAD v4.1: 142 of 1,614,214 alleles (0.0088%); highest among the groups gnomAD compares: South Asian, 0.046%; no homozygotes.

Submissions (6):

Ambry Genetics
Classification: Uncertain significance for Inborn genetic diseases. Last evaluated: 2024-11-09. Review status: criteria provided, single submitter. Criteria: Ambry Variant Classification Scheme 2023. Collection method: clinical testing. Allele origin: germline.

Labcorp Genetics (formerly Invitae), Labcorp
Classification: Uncertain significance. Last evaluated: 2022-08-13. Review status: criteria provided, single submitter. Criteria: Invitae Variant Classification Sherloc (09022015). Collection method: clinical testing. Allele origin: germline.
Comment: This sequence change replaces arginine, which is basic and polar, with cysteine, which is neutral and slightly polar, at codon 600 of the ADGRG1 protein (p.Arg600Cys). This variant is present in population databases (rs371152613, gnomAD 0.04%). This variant has not been reported in the literature in individuals affected with ADGRG1-related conditions. ClinVar contains an entry for this variant (Variation ID: 546510). Algorithms developed to predict the effect of missense changes on protein structure and function are either unavailable or do not agree on the potential impact of this missense change (SIFT: "Deleterious"; PolyPhen-2: "Probably Damaging"; Align-GVGD: "Class C15"). In summary, the available evidence is currently insufficient to determine the role of this variant in disease. Therefore, it has been classified as a Variant of Uncertain Significance.

Athena Diagnostics
Classification: Uncertain significance. Last evaluated: 2022-04-26. Review status: criteria provided, single submitter. Criteria: Athena Diagnostics Criteria. Collection method: clinical testing. Allele origin: unknown.

GeneDx
Classification: Uncertain significance. Last evaluated: 2019-05-24. Review status: criteria provided, single submitter. Criteria: GeneDx Variant Classification Process June 2021. Collection method: clinical testing. Allele origin: germline. Affected: yes.
Comment: In silico analysis, which includes protein predictors and evolutionary conservation, supports a deleterious effect; Has not been previously published as pathogenic or benign to our knowledge

Illumina Laboratory Services, Illumina
Classification: Uncertain significance for Bilateral frontoparietal polymicrogyria. Last evaluated: 2018-01-12. Review status: criteria provided, single submitter. Criteria: ICSL Variant Classification Criteria 13 December 2019. Collection method: clinical testing. Allele origin: germline.

Natera, Inc.
Classification: Uncertain significance for Bilateral frontoparietal polymicrogyria. Last evaluated: 2019-10-28. Review status: no assertion criteria provided. Collection method: clinical testing. Allele origin: germline. Not counted in ClinVar's aggregate classification.